The following is an entry in ClinVar:

NM_001136193.2(FASTKD2):c.849C>A (p.Cys283Ter)

Genes: FASTKD2 (FAST kinase domains 2; plus strand), LOC126806484 (CDK7 strongly-dependent group 2 enhancer GRCh37_chr2:207634423-207635622; plus strand). Cytogenetic location: 2q33.3.
Variant type: single nucleotide variant.
Coding change: c.849C>A on transcript NM_001136193.2 (MANE Select); coding-DNA position 849, C replaced by A.
Protein change: p.Cys283Ter; replaces cysteine 283 with a stop codon.
Molecular consequence: nonsense.
Genome position (GRCh38, 1-based): chr2:206,770,162, C>A. VCF-style: chr2-206770162-C-A. GRCh37 (hg19) VCF-style: chr2-207634886-C-A.
Other names: c.849C>A, p.Cys283Ter (NM_001136194.2, NM_014929.4); short protein forms C283*.
Identifiers: ClinVar variation 620282 (VCV000620282.2), dbSNP rs1559359546, ClinGen allele CA350075573.

ClinVar aggregate classification (germline): Pathogenic/Likely pathogenic. Review status: criteria provided, multiple submitters, no conflicts (2 of 4 stars). 2 submissions from 2 submitters: Pathogenic (1); Likely pathogenic (1). Last evaluated 2023-05-19.

Conditions:
Combined oxidative phosphorylation deficiency 44. Also called: FASTKD2-Related Combined Oxidative Phosphorylation Deficiency. Identifiers: MedGen C5394293, MONDO:0030020, OMIM 618855.

Allele frequency attached by ClinVar (database versions not stated): gnomAD exomes below 0.00001; TOPMed 0.00001.

Submissions (2):

Women's Health and Genetics/Laboratory Corporation of America, LabCorp
Classification: Pathogenic for Combined oxidative phosphorylation deficiency 44. Last evaluated: 2023-05-19. Review status: criteria provided, single submitter. Criteria: LabCorp Variant Classification Summary - May 2015. Collection method: clinical testing. Allele origin: germline.
Comment: Variant summary: FASTKD2 c.849C>A (p.Cys283X) results in a premature termination codon, predicted to cause a truncation of the encoded protein or absence of the protein due to nonsense mediated decay, which are commonly known mechanisms for disease. The variant was absent in 251442 control chromosomes. The available data on variant occurrences in the general population are insufficient to allow any conclusion about variant significance. To our knowledge, no occurrence of c.849C>A in individuals affected with Combined Oxidative Phosphorylation Deficiency 44 and no experimental evidence demonstrating its impact on protein function have been reported. One clinical diagnostic laboratory has submitted clinical-significance assessments for this variant to ClinVar after 2014 and classified the variant as likely pathogenic. Based on the evidence outlined above, the variant was classified as pathogenic.

GeneDx
Classification: Likely pathogenic. Last evaluated: 2018-07-30. Review status: criteria provided, single submitter. Criteria: GeneDx Variant Classification (06012015). Collection method: clinical testing. Allele origin: germline. Affected: yes.
Comment: The C283X variant has not been published as a pathogenic variant, nor has it been reported as a benign variant to our knowledge. The C283X variant is not observed in large population cohorts (Lek et al., 2016). The C283X variant is predicted to cause loss of normal protein function either through protein truncation or nonsense-mediated mRNA decay. In summary, this variant is likely pathogenic; however, the possibility that it is benign cannot be excluded.